The following is an entry in ClinVar:

NM_001079872.2(CUL4B):c.1844T>G (p.Leu615Arg)

Gene: CUL4B (cullin 4B; minus strand). Cytogenetic location: Xq24.
Variant type: single nucleotide variant.
Coding change: c.1844T>G on transcript NM_001079872.2 (MANE Select); coding-DNA position 1844, T replaced by G.
Protein change: p.Leu615Arg; replaces leucine 615 with arginine.
Molecular consequence: missense variant.
Genome position (GRCh38, 1-based): chrX:120,538,668, A>C on the plus strand (T>G on the coding strand, the complement: CUL4B is on the minus strand). VCF-style: chrX-120538668-A-C. GRCh37 (hg19) VCF-style: chrX-119672523-A-C.
Other names: c.1859T>G, p.Leu620Arg (NM_001330624.2); c.1310T>G, p.Leu437Arg (NM_001369145.1); c.1898T>G, p.Leu633Arg (NM_003588.4); short protein forms L437R, L615R, L620R, L633R.
Identifiers: ClinVar variation 3776030 (VCV003776030.1).
Genomic context (GRCh38, chrX:120,538,668, plus strand): 5'-ACATTCTCCTTCAGGAATCAAAGAAAAGGAACAGAAAGAATGAGAAACCTACCATGTTTA[A>C]GTTTGGACAGCATTGATTTTTCAGCATCTACAGATGCACTCTTTCCGACTAACAGGCGCT-3'
Protein context (NP_001073341.1, residues 605-625): VDAEKSMLSK[Leu615Arg]KHECGAAFTS

ClinVar aggregate classification (germline): Uncertain significance (1 of 4 stars; one submission).

Conditions:
X-linked intellectual disability Cabezas type (MRXSC). Also called: CABEZAS SYNDROME; MENTAL RETARDATION, X-LINKED, SYNDROMIC 15; Intellectual developmental disorder, X-linked syndromic, Cabezas type. Identifiers: Orphanet 85289, Orphanet 85293, MedGen C1845861, MONDO:0010306, OMIM 300354.

Submission:

3billion
Classification: Uncertain significance for X-linked intellectual disability Cabezas type. Last evaluated: 2023-06-12. Review status: criteria provided, single submitter. Criteria: ACMG Guidelines, 2015. Collection method: clinical testing. Allele origin: germline. Affected: yes.
Comment: The variant is not observed in the gnomAD v2.1.1 dataset. Predicted Consequence/Location: Missense variant In silico tool predictions suggest damaging effect of the variant on gene or gene product (REVEL: 0.96; 3Cnet: 0.86). Therefore, this variant is classified as VUS according to the recommendation of ACMG/AMP guideline.